The following is an entry in ClinVar:

ClinVar aggregate classification (germline): Uncertain significance (1 of 4 stars; one submission).

Submission:

GeneDx
Classification: Uncertain significance. Last evaluated: 2022-06-23. Review status: criteria provided, single submitter. Criteria: GeneDx Variant Classification Process June 2021. Collection method: clinical testing. Allele origin: germline. Affected: yes.
Comment: Not observed at significant frequency in large population cohorts (gnomAD); In silico analysis supports that this missense variant has a deleterious effect on protein structure/function; Has not been previously published as pathogenic or benign to our knowledge

NM_170606.3(KMT2C):c.7954C>G (p.Pro2652Ala)

Gene: KMT2C (lysine methyltransferase 2C; minus strand). Cytogenetic location: 7q36.1.
Variant type: single nucleotide variant.
Coding change: c.7954C>G on transcript NM_170606.3 (MANE Select); coding-DNA position 7954, C replaced by G.
Protein change: p.Pro2652Ala; replaces proline 2652 with alanine.
Molecular consequence: missense variant.
Genome position (GRCh38, 1-based): chr7:152,177,499, G>C on the plus strand (C>G on the coding strand, the complement: KMT2C is on the minus strand). VCF-style: chr7-152177499-G-C. GRCh37 (hg19) VCF-style: chr7-151874584-G-C.
Other names: short protein forms P2652A.
Identifiers: ClinVar variation 1806572 (VCV001806572.1), dbSNP rs2129114905, ClinGen allele CA370083922.
Genomic context (GRCh38, chr7:152,177,499, plus strand): 5'-ACGTTGTTTCAGACGGTACAGATGTTGACAAAGGAGCTTCTGAAAATTCACCACCTAGTG[G>C]ATGGTTCAGAGTCCTCATGACCATAGAAGATGAATGGACAGAATGACCTTGCTCTTGTTG-3'
Protein context (NP_733751.2, residues 2642-2662): SSMVMRTLNH[Pro2652Ala]LGGEFSEAPL